The following is an entry in ClinVar:

ClinVar aggregate classification (germline): Likely pathogenic (1 of 4 stars; one submission).

Conditions:
Smith-Magenis syndrome (SMS). Also called: CHROMOSOME 17p11.2 DELETION SYNDROME. Identifiers: Orphanet 819, MedGen C0795864, MONDO:0008434, OMIM 182290.

Allele frequency attached by ClinVar (database versions not stated): gnomAD exomes below 0.00001; TOPMed below 0.00001.
gnomAD v4.1: 4 of 1,611,168 alleles (0.00025%); highest among the groups gnomAD compares: East Asian, 0.0022%; no homozygotes.

Submission:

Laboratory of Prof. Karen Avraham, Tel Aviv University
Classification: Likely pathogenic for Smith-Magenis syndrome. Last evaluated: 2024-06-05. Review status: criteria provided, single submitter. Criteria: ACMG Guidelines, 2015. Collection method: research. Allele origin: germline. Affected: yes. Observed: 1 variant allele.
Comment: A very rare variant predicted to be deleterious by most prediction programs. In addition, type of HL characteristic for treacher Collins syndrome

Autosomal dominant; normal-severe HL with a conductive component characteristic for Treacher Collins syndrome

NM_030665.4(RAI1):c.1774C>T (p.Arg592Trp)

Gene: RAI1 (retinoic acid induced 1; plus strand). Cytogenetic location: 17p11.2.
Variant type: single nucleotide variant.
Coding change: c.1774C>T on transcript NM_030665.4 (MANE Select); coding-DNA position 1774, C replaced by T.
Protein change: p.Arg592Trp; replaces arginine 592 with tryptophan.
Molecular consequence: missense variant.
Genome position (GRCh38, 1-based): chr17:17,794,722, C>T. VCF-style: chr17-17794722-C-T. GRCh37 (hg19) VCF-style: chr17-17698036-C-T.
Other names: short protein forms R592W.
Identifiers: ClinVar variation 3250398 (VCV003250398.1), dbSNP rs1275950312.
Genomic context (GRCh38, chr17:17,794,722, plus strand): 5'-TTCCAGAGCCTACACGGCAGTCTGCCGCTCGACAGCTTCTCCAAGTTCGTGGCGGGTGAG[C>T]GGGACTGTCCGCGGCTGCTGCTCAGCGCCCTGGCACAGGAGGACCTGGCCTCCGAGATCC-3'
Protein context (NP_109590.3, residues 582-602): DSFSKFVAGE[Arg592Trp]DCPRLLLSAL